The following is an entry in ClinVar:

NM_024577.4(SH3TC2):c.2744C>T (p.Thr915Ile)

Gene: SH3TC2 (SH3 domain and tetratricopeptide repeats 2; minus strand). Cytogenetic location: 5q32.
Variant type: single nucleotide variant.
Coding change: c.2744C>T on transcript NM_024577.4 (MANE Select); coding-DNA position 2744, C replaced by T.
Protein change: p.Thr915Ile; replaces threonine 915 with isoleucine.
Molecular consequence: missense variant.
Genome position (GRCh38, 1-based): chr5:149,026,988, G>A on the plus strand (C>T on the coding strand, the complement: SH3TC2 is on the minus strand). VCF-style: chr5-149026988-G-A. GRCh37 (hg19) VCF-style: chr5-148406551-G-A.
Other names: short protein forms T915I.
Identifiers: ClinVar variation 954703 (VCV000954703.7), dbSNP rs1754076431, ClinGen allele CA361665723.
Genomic context (GRCh38, chr5:149,026,988, plus strand): 5'-TGGTGTCCAGACACCAGAACTTGGGCCAACCAGAGAAACACCTGTACTAATTCCATGTCT[G>A]TCTCCTTACTGGCCTGAAGTTCACAATAGAGTCGTACAGCCTGCAGGAGATAGTTTCTGG-3'
Protein context (NP_078853.2, residues 905-925): LYCELQASKE[Thr915Ile]DMELVQVFLW

ClinVar aggregate classification (germline): Uncertain significance (1 of 4 stars; one submission).

Conditions:
Charcot-Marie-Tooth disease type 4. Also called: Charcot-Marie-Tooth disease, type IV; Charcot-Marie-Tooth, Type 4. Identifiers: Orphanet 64749, MedGen C4082197, MONDO:0018995.

Submission:

Labcorp Genetics (formerly Invitae), Labcorp
Classification: Uncertain significance for Charcot-Marie-Tooth disease type 4. Last evaluated: 2023-04-06. Review status: criteria provided, single submitter. Criteria: Invitae Variant Classification Sherloc (09022015). Collection method: clinical testing. Allele origin: germline.
Comment: ClinVar contains an entry for this variant (Variation ID: 954703). This sequence change replaces threonine, which is neutral and polar, with isoleucine, which is neutral and non-polar, at codon 915 of the SH3TC2 protein (p.Thr915Ile). This variant is not present in population databases (gnomAD no frequency). This variant has not been reported in the literature in individuals affected with SH3TC2-related conditions. Advanced modeling of protein sequence and biophysical properties (such as structural, functional, and spatial information, amino acid conservation, physicochemical variation, residue mobility, and thermodynamic stability) performed at Invitae indicates that this missense variant is not expected to disrupt SH3TC2 protein function. In summary, the available evidence is currently insufficient to determine the role of this variant in disease. Therefore, it has been classified as a Variant of Uncertain Significance.